The following is an entry in ClinVar:

NM_022336.4(EDAR):c.991G>A (p.Asp331Asn)

Genes: EDAR (ectodysplasin A receptor; minus strand), RANBP2 (RAN binding protein 2; plus strand). Cytogenetic location: 2q13.
Variant type: single nucleotide variant.
Coding change: c.991G>A on transcript NM_022336.4 (MANE Select); coding-DNA position 991, G replaced by A.
Protein change: p.Asp331Asn; replaces aspartic acid 331 with asparagine.
Molecular consequence: missense variant.
Genome position (GRCh38, 1-based): chr2:108,906,341, C>T on the plus strand (G>A on the coding strand, the complement: EDAR is on the minus strand). VCF-style: chr2-108906341-C-T. GRCh37 (hg19) VCF-style: chr2-109522797-C-T.
Other names: c.991G>A (NM_022336.3); short protein forms D331N.
Identifiers: ClinVar variation 999377 (VCV000999377.11), dbSNP rs374079078, ClinGen allele CA1824858.
Genomic context (GRCh38, chr2:108,906,341, plus strand): 5'-CTCTCCCAGGCTTTTTTTTCAGCTTACCTTCCACGACTCCACACACGTTGGCATACACAT[C>T]GAGGATCTTTTTCCTCCGGCTTTGAATCTGTGAAAAAGAGTCGAGAATTTTCATCTCCAG-3'
Protein context (NP_071731.1, residues 321-341): GIQSRRKKIL[Asp331Asn]VYANVCGVVE

ClinVar aggregate classification (germline): Uncertain significance. Review status: criteria provided, multiple submitters, no conflicts (2 of 4 stars). 2 submissions from 2 submitters: Uncertain significance (2). Last evaluated 2025-03-13.

Conditions:
Ectodermal dysplasia 10A, hypohidrotic/hair/nail type, autosomal dominant (ECTD10A). Also called: Ectodermal Dysplasia 3, Anhidrotic. Identifiers: Orphanet 1810, Orphanet 238468, MedGen C3888065, MONDO:0007509, OMIM 129490.
Autosomal recessive hypohidrotic ectodermal dysplasia syndrome. Also called: Autosomal recessive hypohidrotic ectodermal dysplasia. Identifiers: Orphanet 248, MedGen C0406702, MONDO:0016619.
Inborn genetic diseases. Identifiers: MedGen C0950123, MeSH D030342.

Allele frequency attached by ClinVar (database versions not stated): gnomAD 0.00004 and 0.00006; gnomAD exomes 0.00003 and 0.00001; ExAC 0.00005; TOPMed 0.00005; 1000 Genomes Project 0.00040; ESP Exome Variant Server 0.00008; 1000 Genomes Project 30x 0.00031.
gnomAD v4.1: 31 of 1,614,180 alleles (0.0019%); highest among the groups gnomAD compares: African/African-American, 0.019%; no homozygotes.

Submissions (2):

Labcorp Genetics (formerly Invitae), Labcorp
Classification: Uncertain significance for Ectodermal dysplasia 10A, hypohidrotic/hair/nail type, autosomal dominant; Autosomal recessive hypohidrotic ectodermal dysplasia syndrome. Last evaluated: 2025-03-13. Review status: criteria provided, single submitter. Criteria: Invitae Variant Classification Sherloc (09022015). Collection method: clinical testing. Allele origin: germline.
Comment: This sequence change replaces aspartic acid, which is acidic and polar, with asparagine, which is neutral and polar, at codon 331 of the EDAR protein (p.Asp331Asn). This variant is present in population databases (rs374079078, gnomAD 0.02%). This variant has not been reported in the literature in individuals affected with EDAR-related conditions. ClinVar contains an entry for this variant (Variation ID: 999377). Invitae Evidence Modeling of protein sequence and biophysical properties (such as structural, functional, and spatial information, amino acid conservation, physicochemical variation, residue mobility, and thermodynamic stability) has been performed for this missense variant. However, the output from this modeling did not meet the statistical confidence thresholds required to predict the impact of this variant on EDAR protein function. In summary, the available evidence is currently insufficient to determine the role of this variant in disease. Therefore, it has been classified as a Variant of Uncertain Significance.

Ambry Genetics
Classification: Uncertain significance for Inborn genetic diseases. Last evaluated: 2024-10-19. Review status: criteria provided, single submitter. Criteria: Ambry Variant Classification Scheme 2023. Collection method: clinical testing. Allele origin: germline.